The following is an entry in ClinVar:

ClinVar aggregate classification (germline): Uncertain significance. Review status: criteria provided, multiple submitters, no conflicts (2 of 4 stars). 2 submissions from 2 submitters: Uncertain significance (2). Last evaluated 2024-12-29.

Conditions:
Inborn genetic diseases. Identifiers: MedGen C0950123, MeSH D030342.
Mendelian susceptibility to mycobacterial diseases due to complete IL12RB1 deficiency. Also called: Immunodeficiency 30; IL12RB1 DEFICIENCY. Identifiers: Orphanet 319552, MedGen C4013949, MONDO:0013955, OMIM 614891.

Allele frequency attached by ClinVar (database versions not stated): TOPMed below 0.00001; gnomAD 0.00001.
gnomAD v4.1: 3 of 1,614,064 alleles (0.00019%); highest among the groups gnomAD compares: South Asian, 0.0011%; no homozygotes.

Submissions (2):

Ambry Genetics
Classification: Uncertain significance for Inborn genetic diseases. Last evaluated: 2024-12-29. Review status: criteria provided, single submitter. Criteria: Ambry Variant Classification Scheme 2023. Collection method: clinical testing. Allele origin: germline.

Labcorp Genetics (formerly Invitae), Labcorp
Classification: Uncertain significance for Mendelian susceptibility to mycobacterial diseases due to complete IL12RB1 deficiency. Last evaluated: 2024-02-24. Review status: criteria provided, single submitter. Criteria: Invitae Variant Classification Sherloc (09022015). Collection method: clinical testing. Allele origin: germline.
Comment: This sequence change replaces asparagine, which is neutral and polar, with lysine, which is basic and polar, at codon 322 of the IL12RB1 protein (p.Asn322Lys). This variant is not present in population databases (gnomAD no frequency). This variant has not been reported in the literature in individuals affected with IL12RB1-related conditions. ClinVar contains an entry for this variant (Variation ID: 841282). Advanced modeling of protein sequence and biophysical properties (such as structural, functional, and spatial information, amino acid conservation, physicochemical variation, residue mobility, and thermodynamic stability) has been performed at Invitae for this missense variant, however the output from this modeling did not meet the statistical confidence thresholds required to predict the impact of this variant on IL12RB1 protein function. In summary, the available evidence is currently insufficient to determine the role of this variant in disease. Therefore, it has been classified as a Variant of Uncertain Significance.

NM_005535.3(IL12RB1):c.966C>A (p.Asn322Lys)

Gene: IL12RB1 (interleukin 12 receptor subunit beta 1; minus strand). Cytogenetic location: 19p13.11.
Variant type: single nucleotide variant.
Coding change: c.966C>A on transcript NM_005535.3 (MANE Select); coding-DNA position 966, C replaced by A.
Protein change: p.Asn322Lys; replaces asparagine 322 with lysine.
Molecular consequence: missense variant.
Genome position (GRCh38, 1-based): chr19:18,072,167, G>T on the plus strand (C>A on the coding strand, the complement: IL12RB1 is on the minus strand). VCF-style: chr19-18072167-G-T. GRCh37 (hg19) VCF-style: chr19-18182977-G-T.
Other names: c.966C>A, p.Asn322Lys (NM_001290023.2, NM_153701.3); c.1086C>A, p.Asn362Lys (NM_001290024.2); short protein forms N322K, N362K.
Identifiers: ClinVar variation 841282 (VCV000841282.10), dbSNP rs746816826, ClinGen allele CA404780030.
Genomic context (GRCh38, chr19:18,072,167, plus strand): 5'-GGCACCTGTGTGGGTGTCGGCAGGAATGTGCCACGTCTGGTTCAGGCCAGGACCAAATTG[G>T]TTCGAGGAGATGACAGCCACGTTGTAGGCAGCACCCGAGAGATAGGGCATCTTCCCCAGG-3'
Protein context (NP_005526.1, residues 312-332): AAYNVAVISS[Asn322Lys]QFGPGLNQTW